The following is an entry in ClinVar:

NM_001195263.2(PDZD7):c.1933+1G>A

Gene: PDZD7 (PDZ domain containing 7; minus strand). Cytogenetic location: 10q24.31.
Variant type: single nucleotide variant.
Coding change: c.1933+1G>A on transcript NM_001195263.2 (MANE Select); the canonical splice donor site of the intron after coding-DNA position 1933, G replaced by A.
Molecular consequence: splice donor variant.
Genome position (GRCh38, 1-based): chr10:101,011,924, C>T on the plus strand (G>A on the coding strand, the complement: PDZD7 is on the minus strand). VCF-style: chr10-101011924-C-T. GRCh37 (hg19) VCF-style: chr10-102771681-C-T.
Identifiers: ClinVar variation 3343896 (VCV003343896.3).

ClinVar aggregate classification (germline): Pathogenic/Likely pathogenic. Review status: criteria provided, multiple submitters, no conflicts (2 of 4 stars). 3 submissions from 3 submitters: Pathogenic (2); Likely pathogenic (1). Last evaluated 2025-11-06.

Conditions:
Hearing loss, autosomal recessive 57. Also called: DEAFNESS, AUTOSOMAL RECESSIVE 57. Identifiers: MedGen C4693893, MONDO:0033201, OMIM 618003.
Hearing impairment. Also called: Impaired Hearing. Identifiers: MedGen C1384666, MONDO:0005365, HP:0000365.

gnomAD v4.1: 28 of 1,550,028 alleles (0.0018%); highest among the groups gnomAD compares: Non-Finnish European, 0.0024%; no homozygotes.

Submissions (3):

Victorian Clinical Genetics Services, Murdoch Childrens Research Institute
Classification: Likely pathogenic for Hearing loss, autosomal recessive 57. Last evaluated: 2025-11-06. Review status: criteria provided, single submitter. Criteria: ACMG Guidelines, 2015. Collection method: clinical testing. Allele origin: germline. Affected: yes.
Comment: This variant is classified as Likely pathogenic. Evidence in support of pathogenic classification: Canonical splice site variant without proven consequence on splicing (no functional evidence available); Variant is present in gnomAD <0.01 for a recessive condition (v4: 28 heterozygote(s), 0 homozygote(s)); This variant has limited previous evidence of pathogenicity in unrelated individuals. This variant has been classified as pathogenic by clinical laboratories in ClinVar; Abnormal splicing is predicted by in silico tool and affected nucleotide is highly conserved. Additional information: This variant is heterozygous; This gene is associated with autosomal recessive disease; No published evidence of segregation with disease has been identified for this variant; No published functional evidence has been identified for this variant; No comparable splice site variants have previous evidence for pathogenicity; Loss of function is a known mechanism of disease in this gene and is associated with deafness, autosomal recessive 57 (MIM#618003); Inheritance information for this variant is not currently available in this individual.

GeneDx
Classification: Pathogenic. Last evaluated: 2023-11-15. Review status: criteria provided, single submitter. Criteria: GeneDx Variant Classification Process June 2021. Collection method: clinical testing. Allele origin: germline. Affected: yes.
Comment: Canonical splice site variant predicted to result in a null allele in a gene for which loss-of-function is a known mechanism of disease; Not observed at significant frequency in large population cohorts (gnomAD); Has not been previously published as pathogenic or benign to our knowledge

Cambridge Genomics Laboratory, East Genomic Laboratory Hub, NHS Genomic Medicine Service
Classification: Pathogenic for Hearing impairment. Last evaluated: 2020-05-29. Review status: criteria provided, single submitter. Criteria: ACGS Best Practice Guidelines for Variant Classification in Rare Disease 2020. Collection method: clinical testing. Allele origin: germline. Affected: yes. Observed: 1 variant allele.